The following is an entry in ClinVar:

ClinVar aggregate classification (germline): Likely benign. Review status: criteria provided, multiple submitters, no conflicts (2 of 4 stars). 5 submissions from 5 submitters: Likely benign (4). 1 of the submissions does not count toward it. Last evaluated 2025-12-01.

Conditions:
Teebi hypertelorism syndrome 1. Identifiers: Orphanet 1519, MedGen CN306405, MONDO:0800025, OMIM 145420.
Oculomaxillofacial dysostosis (OBLFC1). Also called: OCULOMAXILLOFACIAL DYSPLASIA WITH OBLIQUE FACIAL CLEFTS. Identifiers: Orphanet 141258, Orphanet 1794, MedGen C1838348, MONDO:0015824, OMIM 600251.
SPECC1L-related disorder. Also called: SPECC1L-related condition.

Allele frequency attached by ClinVar (database versions not stated): 1000 Genomes Project 0.00100; 1000 Genomes Project 30x 0.00141; TOPMed 0.00208; ESP Exome Variant Server 0.00215; ExAC 0.00233; gnomAD exomes 0.00237 and 0.00381; gnomAD 0.00253 and 0.00265.
gnomAD v4.1: 5,852 of 1,614,030 alleles (0.36%); highest among the groups gnomAD compares: Non-Finnish European, 0.45%; 15 homozygotes.

Submissions (5):

Labcorp Genetics (formerly Invitae), Labcorp
Classification: Likely benign. Last evaluated: 2025-12-01. Review status: criteria provided, single submitter. Criteria: Invitae Variant Classification Sherloc (09022015). Collection method: clinical testing. Allele origin: germline.

Blueprint Genetics
Classification: Likely benign. Last evaluated: 2024-11-28. Review status: criteria provided, single submitter. Criteria: ACMG Guidelines, 2015. Collection method: clinical testing. Allele origin: germline.

CeGaT Center for Human Genetics Tuebingen
Classification: Likely benign. Last evaluated: 2024-08-01. Review status: criteria provided, single submitter. Criteria: CeGaT Center For Human Genetics Tuebingen Variant Classification Criteria Version 2. Collection method: clinical testing. Allele origin: germline. Affected: yes. Observed: 6 variant alleles.
Comment: SPECC1L: BP4, BS2

Fulgent Genetics
Classification: Likely benign for Teebi hypertelorism syndrome 1; Oculomaxillofacial dysostosis. Last evaluated: 2021-12-30. Review status: criteria provided, single submitter. Criteria: ACMG Guidelines, 2015. Collection method: clinical testing. Allele origin: unknown.

PreventionGenetics, part of Exact Sciences
Classification: Likely benign for SPECC1L-related condition. Last evaluated: 2023-12-04. Review status: no assertion criteria provided. Collection method: clinical testing. Allele origin: germline. Not counted in ClinVar's aggregate classification.
Comment: This variant is classified as likely benign based on ACMG/AMP sequence variant interpretation guidelines (Richards et al. 2015 PMID: 25741868, with internal and published modifications).

NM_015330.6(SPECC1L):c.153+5T>G

Genes: SPECC1L (sperm antigen with calponin homology and coiled-coil domains 1 like; plus strand), SPECC1L-ADORA2A (SPECC1L-ADORA2A readthrough (NMD candidate); plus strand). Cytogenetic location: 22q11.23.
Variant type: single nucleotide variant.
Coding change: c.153+5T>G on transcript NM_015330.6 (MANE Select); 5 bases into the intron after coding-DNA position 153, T replaced by G.
Molecular consequence: intron variant.
Genome position (GRCh38, 1-based): chr22:24,302,389, T>G. VCF-style: chr22-24302389-T-G. GRCh37 (hg19) VCF-style: chr22-24698357-T-G.
Other names: c.153+5T>G (NM_001145468.4, NM_001254732.3).
Identifiers: ClinVar variation 731574 (VCV000731574.37), dbSNP rs143374533, ClinGen allele CA10151876.